The following is an entry in ClinVar:

NM_207361.6(FREM2):c.710del (p.Pro237fs)

Gene: FREM2 (FRAS1 related extracellular matrix 2; plus strand). Cytogenetic location: 13q13.3.
Variant type: Deletion.
Coding change: c.710del on transcript NM_207361.6 (MANE Select); coding-DNA position 710, one base deleted (C; older notation c.710delC).
Protein change: p.Pro237fs; shifts the reading frame from proline 237.
Molecular consequence: frameshift variant.
Genome position (GRCh38, 1-based): chr13:38,688,054, C deleted; the last of 3 consecutive C bases (chr13:38,688,052-38,688,054); deleting any one gives the same sequence. VCF-style (leftmost placement, unchanged base first): chr13-38688051-AC-A. GRCh37 (hg19) VCF-style: chr13-39262188-AC-A.
Other names: short protein forms P237fs.
Identifiers: ClinVar variation 3639649 (VCV003639649.2).
Genomic context (GRCh38, chr13:38,688,051, plus strand): 5'-GCCGCGTGGGCATCCTGTCCGGCTTGGGCGCGCTGCCTCGCTATGGAGAACTCCTCCACT[AC>A]CCGCAGGTCCCTGGAGGAGCCAGAGAGGGAGGCGCCCCGGAGACTCTCCTGATGGACTGC-3'

ClinVar aggregate classification (germline): Pathogenic (1 of 4 stars; one submission).

Submission:

Labcorp Genetics (formerly Invitae), Labcorp
Classification: Pathogenic. Last evaluated: 2024-02-08. Review status: criteria provided, single submitter. Criteria: Invitae Variant Classification Sherloc (09022015). Collection method: clinical testing. Allele origin: germline.
Comment: This sequence change creates a premature translational stop signal (p.Pro237Argfs*17) in the FREM2 gene. It is expected to result in an absent or disrupted protein product. Loss-of-function variants in FREM2 are known to be pathogenic (PMID: 18203166, 26552811). This variant is not present in population databases (gnomAD no frequency). This variant has not been reported in the literature in individuals affected with FREM2-related conditions. For these reasons, this variant has been classified as Pathogenic.

Literature cited by the submitters: PubMed 18203166; PubMed 26552811.